The following is an entry in ClinVar:

ClinVar aggregate classification (germline): Uncertain significance (1 of 4 stars; one submission).

Conditions:
Idiopathic generalized epilepsy. Also called: EIG; Generalised epilepsy. Identifiers: MedGen C0270850, MONDO:0005579, OMIM 600669.
Hyperaldosteronism, familial, type IV (HALD4). Also called: FH IV; ALDOSTERONISM, PRIMARY, AND HYPERTENSION. Identifiers: Orphanet 642671, MedGen C4310756, MONDO:0014875, OMIM 617027.

Submission:

Labcorp Genetics (formerly Invitae), Labcorp
Classification: Uncertain significance for Idiopathic generalized epilepsy; Hyperaldosteronism, familial, type IV. Last evaluated: 2020-08-25. Review status: criteria provided, single submitter. Criteria: Invitae Variant Classification Sherloc (09022015). Collection method: clinical testing. Allele origin: germline.
Comment: This sequence change replaces leucine with proline at codon 1752 of the CACNA1H protein (p.Leu1752Pro). The leucine residue is highly conserved and there is a moderate physicochemical difference between leucine and proline. This variant is not present in population databases (ExAC no frequency). This variant has not been reported in the literature in individuals with CACNA1H-related conditions. Algorithms developed to predict the effect of missense changes on protein structure and function (SIFT, PolyPhen-2, Align-GVGD) all suggest that this variant is likely to be disruptive, but these predictions have not been confirmed by published functional studies and their clinical significance is uncertain. In summary, the available evidence is currently insufficient to determine the role of this variant in disease. Therefore, it has been classified as a Variant of Uncertain Significance.

NM_021098.3(CACNA1H):c.5255T>C (p.Leu1752Pro)

Gene: CACNA1H (calcium voltage-gated channel subunit alpha1 H; plus strand). Cytogenetic location: 16p13.3.
Variant type: single nucleotide variant.
Coding change: c.5255T>C on transcript NM_021098.3 (MANE Select); coding-DNA position 5255, T replaced by C.
Protein change: p.Leu1752Pro; replaces leucine 1752 with proline.
Molecular consequence: missense variant.
Genome position (GRCh38, 1-based): chr16:1,216,942, T>C. VCF-style: chr16-1216942-T-C. GRCh37 (hg19) VCF-style: chr16-1266942-T-C.
Other names: c.5237T>C, p.Leu1746Pro (NM_001005407.2); short protein forms L1746P, L1752P.
Identifiers: ClinVar variation 1041918 (VCV001041918.8), dbSNP rs1970075682, ClinGen allele CA394146758.